The following is an entry in ClinVar:

ClinVar aggregate classification (germline): Uncertain significance (1 of 4 stars; one submission).

Submission:

Labcorp Genetics (formerly Invitae), Labcorp
Classification: Uncertain significance. Last evaluated: 2024-05-25. Review status: criteria provided, single submitter. Criteria: Invitae Variant Classification Sherloc (09022015). Collection method: clinical testing. Allele origin: germline.
Comment: This sequence change falls in intron 4 of the TNFRSF11A gene. It does not directly change the encoded amino acid sequence of the TNFRSF11A protein. This variant is not present in population databases (gnomAD no frequency). This variant has not been reported in the literature in individuals affected with TNFRSF11A-related conditions. Algorithms developed to predict the effect of sequence changes on RNA splicing suggest that this variant may create or strengthen a splice site. In summary, the available evidence is currently insufficient to determine the role of this variant in disease. Therefore, it has been classified as a Variant of Uncertain Significance.

NM_003839.4(TNFRSF11A):c.427+18G>A

Gene: TNFRSF11A (TNF receptor superfamily member 11a; plus strand). Cytogenetic location: 18q21.33.
Variant type: single nucleotide variant.
Coding change: c.427+18G>A on transcript NM_003839.4 (MANE Select); 18 bases into the intron after coding-DNA position 427, G replaced by A.
Molecular consequence: intron variant.
Genome position (GRCh38, 1-based): chr18:62,354,552, G>A. VCF-style: chr18-62354552-G-A. GRCh37 (hg19) VCF-style: chr18-60021785-G-A.
Other names: c.427+18G>A (NM_001270949.2, NM_001270950.2, NM_001270951.2 and 1 more transcripts).
Identifiers: ClinVar variation 3654546 (VCV003654546.2).